The following is an entry in ClinVar:

NM_031229.4(RBCK1):c.1160A>G (p.Asn387Ser)

Gene: RBCK1 (RANBP2-type and C3HC4-type zinc finger containing 1; plus strand). Cytogenetic location: 20p13.
Variant type: single nucleotide variant.
Coding change: c.1160A>G on transcript NM_031229.4 (MANE Select); coding-DNA position 1160, A replaced by G.
Protein change: p.Asn387Ser; replaces asparagine 387 with serine.
Molecular consequence: missense variant. On other transcripts: non-coding transcript variant (1).
Genome position (GRCh38, 1-based): chr20:427,443, A>G. VCF-style: chr20-427443-A-G. GRCh37 (hg19) VCF-style: chr20-408087-A-G.
Other names: c.650A>G, p.Asn217Ser (NM_001323956.2, NM_001323958.2); c.1034A>G, p.Asn345Ser (NM_006462.6); short protein forms N387S, N345S, N217S.
Identifiers: ClinVar variation 140626 (VCV000140626.10), dbSNP rs566912235, ClinGen allele CA163459.
Genomic context (GRCh38, chr20:427,443, plus strand): 5'-TCAGCTACCATTGCAAGACCCCAGATTGCAAGGGATGGTGCTTCTTTGAGGATGATGTCA[A>G]TGAGTTCACCTGCCCTGTGTGTTTCCACGTCAACTGCCTGCTCTGCAAGGTGGGGCCTGC-3'
Protein context (NP_112506.2, residues 377-397): KGWCFFEDDV[Asn387Ser]EFTCPVCFHV

ClinVar aggregate classification (germline): Likely pathogenic. Review status: criteria provided, single submitter (1 of 4 stars). 2 submissions from 2 submitters: Likely pathogenic (1). 1 of the submissions does not count toward it. Last evaluated 2023-04-13.

Conditions:
Polyglucosan body myopathy 1 without immunodeficiency. Identifiers: MedGen C4017232.
Polyglucosan body myopathy type 1 (PGBM1). Also called: Polyglucosan body myopathy 1 with or without immunodeficiency; POLYGLUCOSAN BODY MYOPATHY WITHOUT IMMUNODEFICIENCY. Identifiers: Orphanet 329173, Orphanet 397937, MedGen C4014605, MONDO:0014389, OMIM 615895.

Allele frequency attached by ClinVar (database versions not stated): gnomAD 0.00001; TOPMed 0.00001.
gnomAD v4.1: 1 of 1,613,990 alleles (0.000062%); no homozygotes.

Submissions (2):

Labcorp Genetics (formerly Invitae), Labcorp
Classification: Likely pathogenic for Polyglucosan body myopathy type 1. Last evaluated: 2023-04-13. Review status: criteria provided, single submitter. Criteria: Invitae Variant Classification Sherloc (09022015). Collection method: clinical testing. Allele origin: germline.
Comment: Algorithms developed to predict the effect of sequence changes on RNA splicing suggest that this variant may disrupt the consensus splice site. In summary, the currently available evidence indicates that the variant is pathogenic, but additional data are needed to prove that conclusively. Therefore, this variant has been classified as Likely Pathogenic. Advanced modeling of protein sequence and biophysical properties (such as structural, functional, and spatial information, amino acid conservation, physicochemical variation, residue mobility, and thermodynamic stability) performed at Invitae indicates that this missense variant is expected to disrupt RBCK1 protein function. ClinVar contains an entry for this variant (Variation ID: 140626). This missense change has been observed in individual(s) with clinical features of RBCK1-related conditions (PMID: 23798481, 31127727). In at least one individual the data is consistent with being in trans (on the opposite chromosome) from a pathogenic variant. It has also been observed to segregate with disease in related individuals. This variant is not present in population databases (gnomAD no frequency). This sequence change replaces asparagine, which is neutral and polar, with serine, which is neutral and polar, at codon 387 of the RBCK1 protein (p.Asn387Ser).

OMIM
Classification: Pathogenic for POLYGLUCOSAN BODY MYOPATHY 1 WITHOUT IMMUNODEFICIENCY. Last evaluated: 2013-12-01. Review status: no assertion criteria provided. Collection method: literature only. Allele origin: germline. Not counted in ClinVar's aggregate classification.

Literature cited by the submitters: PubMed 23798481 (cited by Labcorp Genetics (formerly Invitae), Labcorp and OMIM); PubMed 31127727 (cited by Labcorp Genetics (formerly Invitae), Labcorp).